The following is an entry in ClinVar:

ClinVar aggregate classification (germline): Uncertain significance (1 of 4 stars; one submission).

Conditions:
Fanconi anemia complementation group J. Also called: BRIP1-Related Fanconi Anemia. Identifiers: Orphanet 84, MedGen C1836860, MONDO:0012187, OMIM 609054.
Familial cancer of breast. Also called: BREAST CANCER, FAMILIAL; Hereditary breast cancer; hereditary breast carcinoma. Identifiers: Orphanet 227535, MedGen C0346153, MONDO:0016419, OMIM 114480. Disease mechanism: loss of function.

Submission:

Labcorp Genetics (formerly Invitae), Labcorp
Classification: Uncertain significance for Familial cancer of breast; Fanconi anemia complementation group J. Last evaluated: 2024-05-07. Review status: criteria provided, single submitter. Criteria: Invitae Variant Classification Sherloc (09022015). Collection method: clinical testing. Allele origin: germline.
Comment: This sequence change replaces threonine, which is neutral and polar, with serine, which is neutral and polar, at codon 274 of the BRIP1 protein (p.Thr274Ser). This variant is not present in population databases (gnomAD no frequency). This variant has not been reported in the literature in individuals affected with BRIP1-related conditions. Advanced modeling of protein sequence and biophysical properties (such as structural, functional, and spatial information, amino acid conservation, physicochemical variation, residue mobility, and thermodynamic stability) performed at Invitae indicates that this missense variant is not expected to disrupt BRIP1 protein function with a negative predictive value of 80%. In summary, the available evidence is currently insufficient to determine the role of this variant in disease. Therefore, it has been classified as a Variant of Uncertain Significance.

NM_032043.3(BRIP1):c.820A>T (p.Thr274Ser)

Gene: BRIP1 (BRCA1 interacting DNA helicase 1; minus strand). Cytogenetic location: 17q23.2.
Variant type: single nucleotide variant.
Coding change: c.820A>T on transcript NM_032043.3 (MANE Select); coding-DNA position 820, A replaced by T.
Protein change: p.Thr274Ser; replaces threonine 274 with serine.
Molecular consequence: missense variant.
Genome position (GRCh38, 1-based): chr17:61,808,565, T>A on the plus strand (A>T on the coding strand, the complement: BRIP1 is on the minus strand). VCF-style: chr17-61808565-T-A. GRCh37 (hg19) VCF-style: chr17-59885926-T-A.
Other names: short protein forms T274S.
Identifiers: ClinVar variation 3756233 (VCV003756233.2).